The following is an entry in ClinVar:

ClinVar aggregate classification (germline): Uncertain significance. Review status: criteria provided, multiple submitters, no conflicts (2 of 4 stars). 4 submissions from 4 submitters: Uncertain significance (3). 1 of the submissions does not count toward it. Last evaluated 2024-11-11.

Conditions:
Joubert syndrome 7 (JBTS7). Identifiers: Orphanet 220497, MedGen C1969053, MONDO:0012694, OMIM 611560.
COACH syndrome 3. Identifiers: MedGen C5436841, MONDO:0030862, OMIM 619113.
Meckel syndrome, type 5 (MKS5). Identifiers: Orphanet 564, MedGen C1969052, MONDO:0012695, OMIM 611561.
RPGRIP1L-related disorder. Also called: RPGRIP1L-related condition; RPGRIP1L-related disorders. Identifiers: MedGen CN239416.
Meckel-Gruber syndrome. Also called: Dysencephalia splachnocystica; DYSENCEPHALIA SPLANCHNOCYSTICA; GRUBER SYNDROME. Identifiers: Orphanet 564, MedGen C0265215, MONDO:0018921.
Joubert syndrome. Also called: Familial aplasia of the vermis; JOUBERT-BOLTSHAUSER SYNDROME. Identifiers: Orphanet 475, MedGen C5979921, MONDO:0018772.

Allele frequency attached by ClinVar (database versions not stated): TOPMed below 0.00001.
gnomAD v4.1: 6 of 1,613,700 alleles (0.00037%); highest among the groups gnomAD compares: Non-Finnish European, 0.00051%; no homozygotes.

Submissions (4):

Labcorp Genetics (formerly Invitae), Labcorp
Classification: Uncertain significance for Joubert syndrome; Meckel-Gruber syndrome. Last evaluated: 2024-11-11. Review status: criteria provided, single submitter. Criteria: Invitae Variant Classification Sherloc (09022015). Collection method: clinical testing. Allele origin: germline.
Comment: This sequence change replaces threonine, which is neutral and polar, with arginine, which is basic and polar, at codon 719 of the RPGRIP1L protein (p.Thr719Arg). This variant is not present in population databases (gnomAD no frequency). This variant has not been reported in the literature in individuals affected with RPGRIP1L-related conditions. ClinVar contains an entry for this variant (Variation ID: 2053607). Invitae Evidence Modeling of protein sequence and biophysical properties (such as structural, functional, and spatial information, amino acid conservation, physicochemical variation, residue mobility, and thermodynamic stability) indicates that this missense variant is not expected to disrupt RPGRIP1L protein function with a negative predictive value of 80%. In summary, the available evidence is currently insufficient to determine the role of this variant in disease. Therefore, it has been classified as a Variant of Uncertain Significance.

Women's Health and Genetics/Laboratory Corporation of America, LabCorp
Classification: Uncertain significance. Last evaluated: 2024-08-15. Review status: criteria provided, single submitter. Criteria: LabCorp Variant Classification Summary - May 2015. Collection method: clinical testing. Allele origin: germline.
Comment: Variant summary: RPGRIP1L c.2156C>G (p.Thr719Arg) results in a non-conservative amino acid change located in the RPGR-interacting protein 1, first C2 domain (IPR021656) of the encoded protein sequence. Three of five in-silico tools predict a damaging effect of the variant on protein function. The variant was absent in 251352 control chromosomes. The available data on variant occurrences in the general population are insufficient to allow any conclusion about variant significance. To our knowledge, no occurrence of c.2156C>G in individuals affected with Joubert Syndrome And Related Disorders and no experimental evidence demonstrating its impact on protein function have been reported. ClinVar contains an entry for this variant (Variation ID: 2053607). Based on the evidence outlined above, the variant was classified as uncertain significance.

Fulgent Genetics
Classification: Uncertain significance for Joubert syndrome 7; Meckel syndrome, type 5; COACH syndrome 3. Last evaluated: 2024-04-17. Review status: criteria provided, single submitter. Criteria: ACMG Guidelines, 2015. Collection method: clinical testing. Allele origin: germline.

PreventionGenetics, part of Exact Sciences
Classification: Uncertain significance for RPGRIP1L-related condition. Last evaluated: 2024-07-05. Review status: no assertion criteria provided. Collection method: clinical testing. Allele origin: germline. Not counted in ClinVar's aggregate classification.
Comment: The RPGRIP1L c.2156C>G variant is predicted to result in the amino acid substitution p.Thr719Arg. To our knowledge, this variant has not reported in the literature. This variant has not been reported in a large population database, indicating this variant is rare. At this time, the clinical significance of this variant is uncertain due to the absence of conclusive functional and genetic evidence.

NM_015272.5(RPGRIP1L):c.2156C>G (p.Thr719Arg)

Gene: RPGRIP1L (RPGRIP1 like; minus strand). Cytogenetic location: 16q12.2.
Variant type: single nucleotide variant.
Coding change: c.2156C>G on transcript NM_015272.5 (MANE Select); coding-DNA position 2156, C replaced by G.
Protein change: p.Thr719Arg; replaces threonine 719 with arginine.
Molecular consequence: missense variant.
Genome position (GRCh38, 1-based): chr16:53,649,112, G>C on the plus strand (C>G on the coding strand, the complement: RPGRIP1L is on the minus strand). VCF-style: chr16-53649112-G-C. GRCh37 (hg19) VCF-style: chr16-53683024-G-C.
Other names: c.2156C>G, p.Thr719Arg (NM_001127897.4, NM_001308334.3, NM_001330538.2); c.2156C>G (NM_015272.4); short protein forms T719R.
Identifiers: ClinVar variation 2053607 (VCV002053607.6), dbSNP rs1420264871, ClinGen allele CA395915943.